The following is an entry in ClinVar:

ClinVar aggregate classification (germline): Uncertain significance (1 of 4 stars; one submission).

Conditions:
Primary ciliary dyskinesia. Also called: Ciliary dyskinesia. Identifiers: Orphanet 244, MedGen C0008780, MONDO:0016575, HP:0012265.

Allele frequency attached by ClinVar (database versions not stated): gnomAD exomes below 0.00001; ExAC 0.00001; gnomAD 0.00001.
gnomAD v4.1: 3 of 1,614,084 alleles (0.00019%); highest among the groups gnomAD compares: Admixed American, 0.0033%; no homozygotes.

Submission:

Labcorp Genetics (formerly Invitae), Labcorp
Classification: Uncertain significance for Primary ciliary dyskinesia. Last evaluated: 2022-04-21. Review status: criteria provided, single submitter. Criteria: Invitae Variant Classification Sherloc (09022015). Collection method: clinical testing. Allele origin: germline.
Comment: In summary, the available evidence is currently insufficient to determine the role of this variant in disease. Therefore, it has been classified as a Variant of Uncertain Significance. Algorithms developed to predict the effect of missense changes on protein structure and function output the following: SIFT: "Tolerated"; PolyPhen-2: "Benign"; Align-GVGD: "Class C0". The tyrosine amino acid residue is found in multiple mammalian species, which suggests that this missense change does not adversely affect protein function. This variant has not been reported in the literature in individuals affected with CCDC40-related conditions. This variant is present in population databases (rs779993312, gnomAD 0.003%). This sequence change replaces histidine, which is basic and polar, with tyrosine, which is neutral and polar, at codon 691 of the CCDC40 protein (p.His691Tyr).

NM_017950.4(CCDC40):c.2071C>T (p.His691Tyr)

Gene: CCDC40 (coiled-coil domain 40 molecular ruler complex subunit; plus strand). Cytogenetic location: 17q25.3.
Variant type: single nucleotide variant.
Coding change: c.2071C>T on transcript NM_017950.4 (MANE Select); coding-DNA position 2071, C replaced by T.
Protein change: p.His691Tyr; replaces histidine 691 with tyrosine.
Molecular consequence: missense variant.
Genome position (GRCh38, 1-based): chr17:80,084,824, C>T. VCF-style: chr17-80084824-C-T. GRCh37 (hg19) VCF-style: chr17-78058623-C-T.
Other names: c.2071C>T, p.His691Tyr (NM_001243342.2); short protein forms H691Y.
Identifiers: ClinVar variation 2416098 (VCV002416098.14), dbSNP rs779993312, ClinGen allele CA8814103.